The following is an entry in ClinVar:

ClinVar aggregate classification (germline): Uncertain significance. Review status: criteria provided, multiple submitters, no conflicts (2 of 4 stars). 2 submissions from 2 submitters: Uncertain significance (2). Last evaluated 2026-05-01.

Conditions:
Developmental and epileptic encephalopathy, 35 (DEE35). Also called: Epileptic encephalopathy, early infantile, 35. Identifiers: Orphanet 457375, MedGen C4225256, MONDO:0014719, OMIM 616647.
Inosine triphosphatase deficiency. Also called: INOSINE TRIPHOSPHATE PYROPHOSPHOHYDROLASE DEFICIENCY. Identifiers: MedGen C0342800, MONDO:0013461, OMIM 613850.

Submissions (2):

Clinical Genomics Laboratory, Washington University in St. Louis
Classification: Uncertain significance for Developmental and epileptic encephalopathy, 35. Last evaluated: 2026-05-01. Review status: criteria provided, single submitter. Criteria: ACMG Guidelines, 2015. Collection method: clinical testing. Allele origin: germline.
Comment: The ITPA c.124+5G>A variant, to our knowledge, has not been reported in the medical literature. This variant is absent from the general population (gnomAD v4.1.1), indicating it is not a common variant. Computational predictors indicate that this variant would alter splicing by weakening the canonical donor site, evidence that correlates to an impact of this variant ITPA function. Additionally, other variants at this splice donor region (c.124+2T>C, c.124+1G>A; c.124+1G>C) have been observed in individuals with DEE35 (Muthusamy K et al., PMID: 33593863; Scala M et al., PMID: 34989426; ClinVar Variation IDs: 646228, 804162). This variant has been reported in the ClinVar database as a germline variant of uncertain significance by a single submitter. Due to limited information, and based on ACMG/AMP guidelines for variant interpretation (Richards S et al., PMID: 25741868), the clinical significance of this variant is uncertain at this time.

Labcorp Genetics (formerly Invitae), Labcorp
Classification: Uncertain significance for Inosine triphosphatase deficiency. Last evaluated: 2022-07-19. Review status: criteria provided, single submitter. Criteria: Invitae Variant Classification Sherloc (09022015). Collection method: clinical testing. Allele origin: germline.
Comment: In summary, the available evidence is currently insufficient to determine the role of this variant in disease. Therefore, it has been classified as a Variant of Uncertain Significance. Variants that disrupt the consensus splice site are a relatively common cause of aberrant splicing (PMID: 17576681, 9536098). Algorithms developed to predict the effect of sequence changes on RNA splicing suggest that this variant may disrupt the consensus splice site. ClinVar contains an entry for this variant (Variation ID: 860575). This variant has not been reported in the literature in individuals affected with ITPA-related conditions. This variant is not present in population databases (gnomAD no frequency). This sequence change falls in intron 2 of the ITPA gene. It does not directly change the encoded amino acid sequence of the ITPA protein. It affects a nucleotide within the consensus splice site.

Literature cited by the submitters: PubMed 17576681 (cited by Labcorp Genetics (formerly Invitae), Labcorp); PubMed 9536098 (cited by Labcorp Genetics (formerly Invitae), Labcorp).

NM_033453.4(ITPA):c.124+5G>A

Gene: ITPA (inosine triphosphatase; plus strand). Cytogenetic location: 20p13.
Variant type: single nucleotide variant.
Coding change: c.124+5G>A on transcript NM_033453.4 (MANE Select); 5 bases into the intron after coding-DNA position 124, G replaced by A.
Molecular consequence: intron variant.
Genome position (GRCh38, 1-based): chr20:3,213,231, G>A. VCF-style: chr20-3213231-G-A. GRCh37 (hg19) VCF-style: chr20-3193877-G-A.
Other names: c.-214+5G>A (NM_001324237.2); c.-274-27G>A (NM_001324238.2, NM_001324236.2, NM_001351739.2); c.124+5G>A (NM_001324240.2); c.67-754G>A (NM_001267623.2); c.73+5G>A (NM_181493.4).
Identifiers: ClinVar variation 860575 (VCV000860575.7), dbSNP rs368434084, ClinGen allele CA916083737.